The following is an entry in ClinVar:

NM_001035.3(RYR2):c.8471G>A (p.Arg2824Gln)

Gene: RYR2 (ryanodine receptor 2; plus strand). Cytogenetic location: 1q43.
Variant type: single nucleotide variant.
Coding change: c.8471G>A on transcript NM_001035.3 (MANE Select); coding-DNA position 8471, G replaced by A.
Protein change: p.Arg2824Gln; replaces arginine 2824 with glutamine.
Molecular consequence: missense variant.
Genome position (GRCh38, 1-based): chr1:237,666,546, G>A. VCF-style: chr1-237666546-G-A. GRCh37 (hg19) VCF-style: chr1-237829846-G-A.
Other names: c.8471G>A (NM_001035.2); short protein forms R2824Q.
Identifiers: ClinVar variation 2774347 (VCV002774347.7), dbSNP rs763223915, ClinGen allele CA087632.

ClinVar aggregate classification (germline): Uncertain significance. Review status: criteria provided, multiple submitters, no conflicts (2 of 4 stars). 5 submissions from 5 submitters: Uncertain significance (5). Last evaluated 2025-07-24.

Conditions:
Cardiomyopathy (CMYO). Also called: Cardiomyopathies. Identifiers: Orphanet 167848, MedGen C0878544, MONDO:0004994, HP:0001638. Inheritance: Various modes of inheritance.
Cardiovascular phenotype. Identifiers: MedGen CN230736.
Catecholaminergic polymorphic ventricular tachycardia 1. Also called: VENTRICULAR TACHYCARDIA, CATECHOLAMINERGIC POLYMORPHIC, 1, WITH OR WITHOUT ATRIAL DYSFUNCTION AND/OR DILATED CARDIOMYOPATHY; RYR2-Related Catecholaminergic Polymorphic Ventricular Tachycardia; VENTRICULAR TACHYCARDIA, STRESS-INDUCED POLYMORPHIC 1. Identifiers: Orphanet 3286, MedGen C1631597, MONDO:0011484, OMIM 604772.

Allele frequency attached by ClinVar (database versions not stated): TOPMed below 0.00001; ExAC 0.00001; gnomAD 0.00001; gnomAD exomes 0.00001.
gnomAD v4.1: 11 of 1,612,340 alleles (0.00068%); highest among the groups gnomAD compares: East Asian, 0.0022%; no homozygotes.

Submissions (5):

Molecular Diagnostic Laboratory for Inherited Cardiovascular Disease, Montreal Heart Institute
Classification: Uncertain significance for Cardiovascular phenotype. Last evaluated: 2025-07-24. Review status: criteria provided, single submitter. Criteria: ACMG Guidelines, 2015. Collection method: clinical testing. Allele origin: germline. Affected: yes.
Comment: PM2, PP2

Ambry Genetics
Classification: Uncertain significance for Cardiovascular phenotype. Last evaluated: 2025-02-07. Review status: criteria provided, single submitter. Criteria: Ambry Variant Classification Scheme 2023. Collection method: clinical testing. Allele origin: germline.
Comment: The p.R2824Q variant (also known as c.8471G>A), located in coding exon 57 of the RYR2 gene, results from a G to A substitution at nucleotide position 8471. The arginine at codon 2824 is replaced by glutamine, an amino acid with highly similar properties. This amino acid position is well conserved in available vertebrate species. In addition, the in silico prediction for this alteration is inconclusive. Based on the available evidence, the clinical significance of this variant remains unclear.

Labcorp Genetics (formerly Invitae), Labcorp
Classification: Uncertain significance for Catecholaminergic polymorphic ventricular tachycardia 1. Last evaluated: 2024-04-29. Review status: criteria provided, single submitter. Criteria: Invitae Variant Classification Sherloc (09022015). Collection method: clinical testing. Allele origin: germline.
Comment: This sequence change replaces arginine, which is basic and polar, with glutamine, which is neutral and polar, at codon 2824 of the RYR2 protein (p.Arg2824Gln). The frequency data for this variant in the population databases is considered unreliable, as metrics indicate poor data quality at this position in the gnomAD database. This variant has not been reported in the literature in individuals affected with RYR2-related conditions. Advanced modeling of protein sequence and biophysical properties (such as structural, functional, and spatial information, amino acid conservation, physicochemical variation, residue mobility, and thermodynamic stability) performed at Invitae indicates that this missense variant is not expected to disrupt RYR2 protein function with a negative predictive value of 95%. In summary, the available evidence is currently insufficient to determine the role of this variant in disease. Therefore, it has been classified as a Variant of Uncertain Significance.

Blueprint Genetics
Classification: Uncertain significance. Last evaluated: 2023-11-16. Review status: criteria provided, single submitter. Criteria: ACMG Guidelines, 2015. Collection method: clinical testing. Allele origin: germline.

Color Diagnostics, LLC DBA Color Health
Classification: Uncertain significance for Cardiomyopathy. Last evaluated: 2023-11-07. Review status: criteria provided, single submitter. Criteria: ACMG Guidelines, 2015. Collection method: clinical testing. Allele origin: germline.
Comment: This missense variant replaces arginine with glutamine at codon 2824 of the RYR2 protein. Computational prediction suggests that this variant may not impact protein structure and function (internally defined REVEL score threshold <= 0.5, PMID: 27666373). To our knowledge, functional studies have not been reported for this variant. This variant has not been reported in individuals affected with RYR2-related disorders in the literature. This variant has been identified in 1/247186 chromosomes in the general population by the Genome Aggregation Database (gnomAD). The available evidence is insufficient to determine the role of this variant in disease conclusively. Therefore, this variant is classified as a Variant of Uncertain Significance.